The following is an entry in ClinVar:

ClinVar aggregate classification (germline): Uncertain significance (1 of 4 stars; one submission).

Conditions:
Inborn genetic diseases. Identifiers: MedGen C0950123, MeSH D030342.

Allele frequency attached by ClinVar (database versions not stated): ExAC 0.00001; gnomAD 0.00001; gnomAD exomes 0.00001.
gnomAD v4.1: 11 of 1,613,544 alleles (0.00068%); highest among the groups gnomAD compares: African/African-American, 0.0013%; no homozygotes.

Submission:

Ambry Genetics
Classification: Uncertain significance for Inborn genetic diseases. Last evaluated: 2021-07-07. Review status: criteria provided, single submitter. Criteria: Ambry Variant Classification Scheme 2023. Collection method: clinical testing. Allele origin: germline.
Comment: The p.D486N variant (also known as c.1456G>A), located in coding exon 11 of the KRIT1 gene, results from a G to A substitution at nucleotide position 1456. The aspartic acid at codon 486 is replaced by asparagine, an amino acid with highly similar properties. This amino acid position is conserved. In addition, this alteration is predicted to be tolerated by in silico analysis. Since supporting evidence is limited at this time, the clinical significance of this alteration remains unclear.

NM_194454.3(KRIT1):c.1456G>A (p.Asp486Asn)

Gene: KRIT1 (KRIT1 ankyrin repeat containing; minus strand). Cytogenetic location: 7q21.2.
Variant type: single nucleotide variant.
Coding change: c.1456G>A on transcript NM_194454.3 (MANE Select); coding-DNA position 1456, G replaced by A.
Protein change: p.Asp486Asn; replaces aspartic acid 486 with asparagine.
Molecular consequence: missense variant.
Genome position (GRCh38, 1-based): chr7:92,222,009, C>T on the plus strand (G>A on the coding strand, the complement: KRIT1 is on the minus strand). VCF-style: chr7-92222009-C-T. GRCh37 (hg19) VCF-style: chr7-91851323-C-T.
Other names: c.1312G>A, p.Asp438Asn (NM_001013406.2, NM_001350669.1, NM_001350670.1); c.742G>A, p.Asp248Asn (NM_001350671.1); c.1456G>A, p.Asp486Asn (NM_001350672.1, NM_001350673.1, NM_001350674.1 and 26 more transcripts); short protein forms D248N, D438N, D486N.
Identifiers: ClinVar variation 1773062 (VCV001773062.2), dbSNP rs779089104, ClinGen allele CA4339099.